The following is an entry in ClinVar:

NM_024642.5(GALNT12):c.41T>A (p.Leu14Gln)

Gene: GALNT12 (polypeptide N-acetylgalactosaminyltransferase 12; plus strand). Cytogenetic location: 9q22.33.
Variant type: single nucleotide variant.
Coding change: c.41T>A on transcript NM_024642.5 (MANE Select); coding-DNA position 41, T replaced by A.
Protein change: p.Leu14Gln; replaces leucine 14 with glutamine.
Molecular consequence: missense variant.
Genome position (GRCh38, 1-based): chr9:98,807,739, T>A. VCF-style: chr9-98807739-T-A. GRCh37 (hg19) VCF-style: chr9-101570021-T-A.
Other names: short protein forms L14Q.
Identifiers: ClinVar variation 3227950 (VCV003227950.1), dbSNP rs1835405611, ClinGen allele CA374222097.
Genomic context (GRCh38, chr9:98,807,739, plus strand): 5'-TGGCTGCAGTTGGCGGGCGCATGTGGGGGCGCACGGCGCGGCGGCGCTGCCCGCGGGAAC[T>A]GCGGCGCGGCCGGGAGGCGCTGTTGGTGCTCCTGGCGCTACTGGCGTTGGCCGGGCTGGG-3'
Protein context (NP_078918.3, residues 4-24): RTARRRCPRE[Leu14Gln]RRGREALLVL

ClinVar aggregate classification (germline): Uncertain significance (1 of 4 stars; one submission).

Submission:

Ambry Genetics
Classification: Uncertain significance. Last evaluated: 2023-11-13. Review status: criteria provided, single submitter. Criteria: Ambry Variant Classification Scheme 2023. Collection method: clinical testing. Allele origin: germline.
Comment: The p.L14Q variant (also known as c.41T>A), located in coding exon 1 of the GALNT12 gene, results from a T to A substitution at nucleotide position 41. The leucine at codon 14 is replaced by glutamine, an amino acid with dissimilar properties. This amino acid position is conserved. In addition, this alteration is predicted to be tolerated by in silico analysis. Since supporting evidence is limited at this time, the clinical significance of this alteration remains unclear.